The following is an entry in ClinVar:

ClinVar aggregate classification (germline): Uncertain significance (1 of 4 stars; one submission).

Submission:

Women's Health and Genetics/Laboratory Corporation of America, LabCorp
Classification: Uncertain significance. Last evaluated: 2022-07-11. Review status: criteria provided, single submitter. Criteria: LabCorp Variant Classification Summary - May 2015. Collection method: clinical testing. Allele origin: germline.
Comment: Variant summary: TRIO c.3881+3A>T alters a conserved nucleotide located close to a canonical splice site and therefore could affect mRNA splicing, leading to a significantly altered protein sequence. Several computational tools predict a significant impact on normal splicing: Three predict the variant abolishes the canonical 5' splicing donor site. However, these predictions have yet to be confirmed by functional studies. The variant was absent in 247906 control chromosomes (gnomAD). The available data on variant occurrences in the general population are insufficient to allow any conclusion about variant significance. To our knowledge, no occurrence of c.3881+3A>T in individuals affected with TRIO-Related Intellectual Disability and no experimental evidence demonstrating its impact on protein function have been reported. No clinical diagnostic laboratories have submitted clinical-significance assessments for this variant to ClinVar after 2014. Other loss of function variants in TRIO have been associated with autosomal dominant TRIO-Related Intellectual Disability (OMIM database). Based on the evidence outlined above, the variant was classified as VUS-possibly pathogenic.

NM_007118.4(TRIO):c.3881+3A>T

Gene: TRIO (trio Rho guanine nucleotide exchange factor; plus strand). Cytogenetic location: 5p15.2.
Variant type: single nucleotide variant.
Coding change: c.3881+3A>T on transcript NM_007118.4 (MANE Select); 3 bases into the intron after coding-DNA position 3881, A replaced by T.
Molecular consequence: intron variant.
Genome position (GRCh38, 1-based): chr5:14,387,850, A>T. VCF-style: chr5-14387850-A-T. GRCh37 (hg19) VCF-style: chr5-14387959-A-T.
Identifiers: ClinVar variation 1704562 (VCV001704562.1), dbSNP rs2532857790, ClinGen allele CA2580072139.
Genomic context (GRCh38, chr5:14,387,850, plus strand): 5'-TTCGAGATGCTGCTCATGAACTTAATGAAGAGAAGCGGAAATCTGCCCGCAGGAAAGAGT[A>T]AGCCAGTCTTTCAGAATCTACCAGGATTCACTGGAAAAGTGAAGAGAATGTCATTTGGAC-3'